The following is an entry in ClinVar:

ClinVar aggregate classification (germline): Uncertain significance (1 of 4 stars; one submission).

Submission:

Labcorp Genetics (formerly Invitae), Labcorp
Classification: Uncertain significance. Last evaluated: 2023-11-07. Review status: criteria provided, single submitter. Criteria: Invitae Variant Classification Sherloc (09022015). Collection method: clinical testing. Allele origin: germline.
Comment: This sequence change replaces valine, which is neutral and non-polar, with leucine, which is neutral and non-polar, at codon 2670 of the HUWE1 protein (p.Val2670Leu). This variant is not present in population databases (gnomAD no frequency). This variant has not been reported in the literature in individuals affected with HUWE1-related conditions. An algorithm developed to predict the effect of missense changes on protein structure and function (PolyPhen-2) suggests that this variant is likely to be tolerated. In summary, the available evidence is currently insufficient to determine the role of this variant in disease. Therefore, it has been classified as a Variant of Uncertain Significance.

NM_031407.7(HUWE1):c.8008G>C (p.Val2670Leu)

Gene: HUWE1 (HECT, UBA and WWE domain containing E3 ubiquitin protein ligase 1; minus strand). Cytogenetic location: Xp11.22.
Variant type: single nucleotide variant.
Coding change: c.8008G>C on transcript NM_031407.7 (MANE Select); coding-DNA position 8008, G replaced by C.
Protein change: p.Val2670Leu; replaces valine 2670 with leucine.
Molecular consequence: missense variant.
Genome position (GRCh38, 1-based): chrX:53,558,807, C>G on the plus strand (G>C on the coding strand, the complement: HUWE1 is on the minus strand). VCF-style: chrX-53558807-C-G. GRCh37 (hg19) VCF-style: chrX-53585768-C-G.
Other names: short protein forms V2670L.
Identifiers: ClinVar variation 2747875 (VCV002747875.3), dbSNP rs1556937819, ClinGen allele CA413152773.